The following is an entry in ClinVar:

NM_002048.3(GAS1):c.226C>G (p.Leu76Val)

Genes: GAS1 (growth arrest specific 1; minus strand), LOC130001972 (ATAC-STARR-seq lymphoblastoid silent region 19998; plus strand). Cytogenetic location: 9q21.33.
Variant type: single nucleotide variant.
Coding change: c.226C>G on transcript NM_002048.3 (MANE Select); coding-DNA position 226, C replaced by G.
Protein change: p.Leu76Val; replaces leucine 76 with valine.
Molecular consequence: missense variant.
Genome position (GRCh38, 1-based): chr9:86,946,554, G>C on the plus strand (C>G on the coding strand, the complement: GAS1 is on the minus strand). VCF-style: chr9-86946554-G-C. GRCh37 (hg19) VCF-style: chr9-89561469-G-C.
Other names: c.226C>G (NM_002048.2); short protein forms L76V.
Identifiers: ClinVar variation 2996688 (VCV002996688.4), dbSNP rs1032793536, ClinGen allele CA374016622.

ClinVar aggregate classification (germline): Uncertain significance. Review status: criteria provided, multiple submitters, no conflicts (2 of 4 stars). 2 submissions from 2 submitters: Uncertain significance (2). Last evaluated 2024-11-24.

Allele frequency attached by ClinVar (database versions not stated): gnomAD 0.00001.

Submissions (2):

Ambry Genetics
Classification: Uncertain significance. Last evaluated: 2024-11-24. Review status: criteria provided, single submitter. Criteria: Ambry Variant Classification Scheme 2023. Collection method: clinical testing. Allele origin: germline.

Labcorp Genetics (formerly Invitae), Labcorp
Classification: Uncertain significance. Last evaluated: 2023-10-04. Review status: criteria provided, single submitter. Criteria: Invitae Variant Classification Sherloc (09022015). Collection method: clinical testing. Allele origin: germline.
Comment: This sequence change replaces leucine, which is neutral and non-polar, with valine, which is neutral and non-polar, at codon 76 of the GAS1 protein (p.Leu76Val). This variant is present in population databases (no rsID available, gnomAD 0.03%). This variant has not been reported in the literature in individuals affected with GAS1-related conditions. An algorithm developed to predict the effect of missense changes on protein structure and function (PolyPhen-2) suggests that this variant is likely to be disruptive. In summary, the available evidence is currently insufficient to determine the role of this variant in disease. Therefore, it has been classified as a Variant of Uncertain Significance.